The following is an entry in ClinVar:

ClinVar aggregate classification (germline): Uncertain significance. Review status: criteria provided, multiple submitters, no conflicts (2 of 4 stars). 2 submissions from 2 submitters: Uncertain significance (2). Last evaluated 2025-02-20.

Conditions:
C1 inhibitor deficiency. Identifiers: MedGen C1852700, MONDO:0007361, OMIM 120790.
Hereditary angioedema type 1 (HAE1). Identifiers: Orphanet 100050, Orphanet 100051, Orphanet 91378, MedGen C2717906, MONDO:0015053, OMIM 106100.

Submissions (2):

Labcorp Genetics (formerly Invitae), Labcorp
Classification: Uncertain significance. Last evaluated: 2025-02-20. Review status: criteria provided, single submitter. Criteria: Invitae Variant Classification Sherloc (09022015). Collection method: clinical testing. Allele origin: germline.
Comment: This sequence change replaces methionine, which is neutral and non-polar, with valine, which is neutral and non-polar, at codon 383 of the SERPING1 protein (p.Met383Val). This variant is not present in population databases (gnomAD no frequency). This variant has not been reported in the literature in individuals affected with SERPING1-related conditions. ClinVar contains an entry for this variant (Variation ID: 1675129). Invitae Evidence Modeling of protein sequence and biophysical properties (such as structural, functional, and spatial information, amino acid conservation, physicochemical variation, residue mobility, and thermodynamic stability) has been performed for this missense variant. However, the output from this modeling did not meet the statistical confidence thresholds required to predict the impact of this variant on SERPING1 protein function. In summary, the available evidence is currently insufficient to determine the role of this variant in disease. Therefore, it has been classified as a Variant of Uncertain Significance.

Center for Genomics, Ann and Robert H. Lurie Children's Hospital of Chicago
Classification: Uncertain significance for Hereditary angioedema type 1; C1 inhibitor deficiency. Review status: criteria provided, single submitter. Criteria: ACMG Guidelines, 2015. Collection method: clinical testing. Allele origin: germline.
Comment: SERPING1 NM_000062.2 exon 7 p.Met383Val (c.1147A>G): This variant has not been reported in the literature and is not present in large control databases. This variant amino acid Valine (Val) is present in 1 turtle species and is not well conserved among evolutionarily distant species; this suggests that this variant may not impact the protein. Additional computational predictive tools are unclear. In summary, data on this variant is insufficient for disease classification. Therefore, the clinical significance of this variant is uncertain.

NM_000062.3(SERPING1):c.1147A>G (p.Met383Val)

Gene: SERPING1 (serpin family G member 1; plus strand). Cytogenetic location: 11q12.1.
Variant type: single nucleotide variant.
Coding change: c.1147A>G on transcript NM_000062.3 (MANE Select); coding-DNA position 1147, A replaced by G.
Protein change: p.Met383Val; replaces methionine 383 with valine.
Molecular consequence: missense variant.
Genome position (GRCh38, 1-based): chr11:57,611,834, A>G. VCF-style: chr11-57611834-A-G. GRCh37 (hg19) VCF-style: chr11-57379307-A-G.
Other names: c.1147A>G, p.Met383Val (NM_001032295.2); short protein forms M383V.
Identifiers: ClinVar variation 1675129 (VCV001675129.3), dbSNP rs746382640, ClinGen allele CA380702943.